The following is an entry in ClinVar:

NM_006206.6(PDGFRA):c.1318A>G (p.Thr440Ala)

Gene: PDGFRA (platelet derived growth factor receptor alpha; plus strand). Cytogenetic location: 4q12.
Variant type: single nucleotide variant.
Coding change: c.1318A>G on transcript NM_006206.6 (MANE Select); coding-DNA position 1318, A replaced by G.
Protein change: p.Thr440Ala; replaces threonine 440 with alanine.
Molecular consequence: missense variant.
Genome position (GRCh38, 1-based): chr4:54,272,474, A>G. VCF-style: chr4-54272474-A-G. GRCh37 (hg19) VCF-style: chr4-55138641-A-G.
Other names: c.1318A>G, p.Thr440Ala (NM_001347827.2, NM_001347829.2); c.1393A>G, p.Thr465Ala (NM_001347828.2); c.1357A>G, p.Thr453Ala (NM_001347830.2); short protein forms T453A, T465A, T440A.
Identifiers: ClinVar variation 2568075 (VCV002568075.2), dbSNP rs1038766927, ClinGen allele CA356892297.

ClinVar aggregate classification (germline): Uncertain significance (1 of 4 stars; one submission).

Conditions:
Hereditary cancer-predisposing syndrome. Also called: Hereditary neoplastic syndrome; Hereditary Cancer Syndrome; Neoplastic Syndromes, Hereditary; Tumor predisposition. Identifiers: Orphanet 140162, MedGen C0027672, MeSH D009386, MONDO:0015356.

Allele frequency attached by ClinVar (database versions not stated): TOPMed below 0.00001.
gnomAD v4.1: 1 of 1,614,002 alleles (0.000062%); highest among the groups gnomAD compares: Non-Finnish European, 0.000085%; no homozygotes.

Submission:

Ambry Genetics
Classification: Uncertain significance for Hereditary cancer-predisposing syndrome. Last evaluated: 2023-03-19. Review status: criteria provided, single submitter. Criteria: Ambry Variant Classification Scheme 2023. Collection method: clinical testing. Allele origin: germline.
Comment: The p.T440A variant (also known as c.1318A>G), located in coding exon 8 of the PDGFRA gene, results from an A to G substitution at nucleotide position 1318. The threonine at codon 440 is replaced by alanine, an amino acid with similar properties. This amino acid position is conserved. In addition, this alteration is predicted to be tolerated by in silico analysis. Since supporting evidence is limited at this time, the clinical significance of this alteration remains unclear.